The following is an entry in ClinVar:

ClinVar aggregate classification (germline): Pathogenic (1 of 4 stars; one submission).

Conditions:
Peutz-Jeghers syndrome (PJS). Also called: POLYPOSIS, HAMARTOMATOUS INTESTINAL; POLYPS-AND-SPOTS SYNDROME; Peutz-Jeghers polyposis; Periorificial lentiginosis syndrome. Identifiers: Orphanet 2869, MedGen C0031269, MeSH D010580, MONDO:0008280, OMIM 175200.

Submission:

Labcorp Genetics (formerly Invitae), Labcorp
Classification: Pathogenic for Peutz-Jeghers syndrome. Last evaluated: 2021-03-24. Review status: criteria provided, single submitter. Criteria: Invitae Variant Classification Sherloc (09022015). Collection method: clinical testing. Allele origin: germline.
Comment: This sequence change creates a premature translational stop signal (p.Leu282Argfs*6) in the STK11 gene. It is expected to result in an absent or disrupted protein product. Loss-of-function variants in STK11 are known to be pathogenic (PMID: 15188174, 16287113). This variant is not present in population databases (ExAC no frequency). This variant has not been reported in the literature in individuals with STK11-related conditions. For these reasons, this variant has been classified as Pathogenic.

Literature cited by the submitters: PubMed 15188174; PubMed 16287113.

NM_000455.5(STK11):c.841_842dup (p.Leu282fs)

Gene: STK11 (serine/threonine kinase 11; plus strand). Cytogenetic location: 19p13.3.
Variant type: Duplication.
Coding change: c.841_842dup on transcript NM_000455.5 (MANE Select); coding-DNA positions 841 to 842, 2 bases duplicated (CC; older notation c.841_842dupCC).
Protein change: p.Leu282fs; shifts the reading frame from leucine 282.
Molecular consequence: frameshift variant.
Genome position (GRCh38, 1-based): chr19:1,221,319-1,221,320, CC duplicated; duplicating any 2 consecutive bases within chr19:1,221,315-1,221,320 gives the same sequence; the c. name uses the placement nearest the transcript's 3' end. VCF-style (leftmost placement, unchanged base first): chr19-1221314-G-GCC. GRCh37 (hg19) VCF-style: chr19-1221313-G-GCC.
Other names: short protein forms L282fs.
Identifiers: ClinVar variation 1359304 (VCV001359304.6), dbSNP rs121913321, ClinGen allele CA645604092.
Genomic context (GRCh38, chr19:1,221,314, plus strand): 5'-ACATCTACAAGTTGTTTGAGAACATCGGGAAGGGGAGCTACGCCATCCCGGGCGACTGTG[G>GCC]CCCCCCGCTCTCTGACCTGCTGAAAGGTGGGAGCCTCATCCCTCTGCCCGCAGCCCCAGG-3'